The following is an entry in ClinVar:

NM_006230.4(POLD2):c.740T>A (p.Leu247His)

Gene: POLD2 (DNA polymerase delta 2, accessory subunit; minus strand). Cytogenetic location: 7p13.
Variant type: single nucleotide variant.
Coding change: c.740T>A on transcript NM_006230.4 (MANE Select); coding-DNA position 740, T replaced by A.
Protein change: p.Leu247His; replaces leucine 247 with histidine.
Molecular consequence: missense variant.
Genome position (GRCh38, 1-based): chr7:44,116,857, A>T on the plus strand (T>A on the coding strand, the complement: POLD2 is on the minus strand). VCF-style: chr7-44116857-A-T. GRCh37 (hg19) VCF-style: chr7-44156456-A-T.
Other names: c.740T>A, p.Leu247His (NM_001127218.3, NM_001256879.2); short protein forms L247H.
Identifiers: ClinVar variation 2104755 (VCV002104755.4), dbSNP rs770844588, ClinGen allele CA4238744.

ClinVar aggregate classification (germline): Uncertain significance (1 of 4 stars; one submission).

Allele frequency attached by ClinVar (database versions not stated): gnomAD exomes 0.00001; ExAC 0.00002; gnomAD 0.00002; TOPMed 0.00002.

Submission:

Labcorp Genetics (formerly Invitae), Labcorp
Classification: Uncertain significance. Last evaluated: 2024-10-29. Review status: criteria provided, single submitter. Criteria: Invitae Variant Classification Sherloc (09022015). Collection method: clinical testing. Allele origin: germline.
Comment: This sequence change replaces leucine, which is neutral and non-polar, with histidine, which is basic and polar, at codon 282 of the POLD2 protein (p.Leu282His). This variant is present in population databases (rs770844588, gnomAD 0.01%). This variant has not been reported in the literature in individuals affected with POLD2-related conditions. ClinVar contains an entry for this variant (Variation ID: 2104755). Experimental studies and prediction algorithms are not available or were not evaluated, and the functional significance of this variant is currently unknown. In summary, the available evidence is currently insufficient to determine the role of this variant in disease. Therefore, it has been classified as a Variant of Uncertain Significance.